The following is an entry in ClinVar:

NC_000007.13:g.(?_117118841)_(117149216_?)del

Gene: CFTR (CF transmembrane conductance regulator; plus strand). Cytogenetic location: 7q31.2.
Variant type: Deletion.
Identifiers: ClinVar variation 3245672 (VCV003245672.1).

ClinVar aggregate classification (germline): Pathogenic (1 of 4 stars; one submission).

Conditions:
Cystic fibrosis (CF). Also called: MUCOVISCIDOSIS. Identifiers: Orphanet 586, MedGen C0010674, MONDO:0009061, OMIM 219700. Disease mechanism: loss of function.

Submission:

Labcorp Genetics (formerly Invitae), Labcorp
Classification: Pathogenic for Cystic fibrosis. Last evaluated: 2023-10-23. Review status: criteria provided, single submitter. Criteria: Invitae Variant Classification Sherloc (09022015). Collection method: clinical testing. Allele origin: unknown.
Comment: This variant is a gross deletion of the genomic region encompassing exon(s) 1-3 of the CFTR gene, which includes the initiator codon. This deletion extends beyond the assayed region for this gene and therefore may encompass additional genes. It is expected to result in an absent or disrupted protein product. Loss-of-function variants in CFTR are known to be pathogenic (PMID: 1695717, 7691345, 9725922). This variant has not been reported in the literature in individuals affected with CFTR-related conditions. For these reasons, this variant has been classified as Pathogenic.

Literature cited by the submitters: PubMed 1695717; PubMed 7691345; PubMed 9725922.